The following is an entry in ClinVar:

ClinVar aggregate classification (germline): Uncertain significance (1 of 4 stars; one submission).

Conditions:
Hereditary cancer-predisposing syndrome. Also called: Neoplastic Syndromes, Hereditary; Hereditary Cancer Syndrome; Tumor predisposition; Hereditary neoplastic syndrome. Identifiers: Orphanet 140162, MedGen C0027672, MeSH D009386, MONDO:0015356.

Submission:

Ambry Genetics
Classification: Uncertain significance for Hereditary cancer-predisposing syndrome. Last evaluated: 2022-11-20. Review status: criteria provided, single submitter. Criteria: Ambry Variant Classification Scheme 2023. Collection method: clinical testing. Allele origin: germline.
Comment: The p.H1066Q variant (also known as c.3198C>A), located in coding exon 25 of the POLD1 gene, results from a C to A substitution at nucleotide position 3198. The histidine at codon 1066 is replaced by glutamine, an amino acid with highly similar properties. This amino acid position is conserved. In addition, this alteration is predicted to be tolerated by in silico analysis. Since supporting evidence is limited at this time, the clinical significance of this alteration remains unclear.

NM_002691.4(POLD1):c.3198C>A (p.His1066Gln)

Gene: POLD1 (DNA polymerase delta 1, catalytic subunit; plus strand). Cytogenetic location: 19q13.33.
Variant type: single nucleotide variant.
Coding change: c.3198C>A on transcript NM_002691.4 (MANE Select); coding-DNA position 3198, C replaced by A.
Protein change: p.His1066Gln; replaces histidine 1066 with glutamine.
Molecular consequence: missense variant. On other transcripts: non-coding transcript variant (1).
Genome position (GRCh38, 1-based): chr19:50,417,249, C>A. VCF-style: chr19-50417249-C-A. GRCh37 (hg19) VCF-style: chr19-50920506-C-A.
Other names: c.3198C>A, p.His1066Gln (NM_001256849.1); c.3276C>A, p.His1092Gln (NM_001308632.1); short protein forms H1092Q, H1066Q.
Identifiers: ClinVar variation 2448195 (VCV002448195.2), dbSNP rs569987101, ClinGen allele CA406987505.